The following is an entry in ClinVar:

ClinVar aggregate classification (germline): Conflicting classifications of pathogenicity. Review status: criteria provided, conflicting classifications (1 of 4 stars). 9 submissions from 9 submitters: Uncertain significance (4); Benign (2); Likely benign (2). 1 of the submissions does not count toward it. Last evaluated 2026-02-04.

Conditions:
Mismatch repair cancer syndrome 4. Identifiers: MedGen C5436817, MONDO:0030843, OMIM 619101.
Hereditary nonpolyposis colorectal neoplasms. Identifiers: MedGen C0009405, MeSH D003123.
Breast and/or ovarian cancer. Identifiers: MedGen CN221562.
Hereditary cancer-predisposing syndrome. Also called: Hereditary neoplastic syndrome; Neoplastic Syndromes, Hereditary; Tumor predisposition; Hereditary Cancer Syndrome. Identifiers: Orphanet 140162, MedGen C0027672, MeSH D009386, MONDO:0015356.
Lynch syndrome 4 (LYNCH4). Also called: Colorectal cancer, hereditary nonpolyposis, type 4; Hereditary non-polyposis colorectal cancer, type 4. Identifiers: Orphanet 144, MedGen C1838333, MONDO:0013699, OMIM 614337. Disease mechanism: loss of function.

Submissions (9):

Labcorp Genetics (formerly Invitae), Labcorp
Classification: Likely benign for Hereditary nonpolyposis colorectal neoplasms. Last evaluated: 2026-02-04. Review status: criteria provided, single submitter. Criteria: Invitae Variant Classification Sherloc (09022015). Collection method: clinical testing. Allele origin: germline.

KCCC/NGS Laboratory, Kuwait Cancer Control Center
Classification: Benign for Lynch syndrome 4. Last evaluated: 2025-02-01. Review status: criteria provided, single submitter. Criteria: ACMG Guidelines, 2015. Collection method: clinical testing. Allele origin: germline. Affected: no.

Department of Pathology and Laboratory Medicine, Sinai Health System
Classification: Uncertain significance for Mismatch repair cancer syndrome 4. Last evaluated: 2024-09-23. Review status: criteria provided, single submitter. Criteria: ACMG Guidelines, 2015. Collection method: clinical testing. Allele origin: germline. Affected: yes.

Quest Diagnostics Nichols Institute San Juan Capistrano
Classification: Uncertain significance. Last evaluated: 2023-05-30. Review status: criteria provided, single submitter. Criteria: Quest Diagnostics criteria. Collection method: clinical testing. Allele origin: unknown.
Comment: To the best of our knowledge, this variant has not been reported in the published literature. The frequency of this variant in the general population, 0.000095 (2/21112 chromosomes (Genome Aggregation Database)), is uninformative in the assessment of its pathogenicity. Analysis of this variant using software algorithms for the prediction of the effect of nucleotide changes on PMS2 mRNA splicing yielded inconclusive findings . Based on the available information, we are unable to determine the clinical significance of this variant.

Myriad Genetics, Inc.
Classification: Uncertain significance for Lynch syndrome 4. Last evaluated: 2023-04-04. Review status: criteria provided, single submitter. Criteria: Myriad Autosomal Dominant, Autosomal Recessive and X-Linked Classification Criteria (2023). Collection method: clinical testing. Allele origin: unknown.
Comment: This variant is classified as a variant of uncertain significance as there is insufficient evidence to determine its impact on protein function and/or cancer risk.

Color Diagnostics, LLC DBA Color Health
Classification: Likely benign for Hereditary cancer-predisposing syndrome. Last evaluated: 2022-04-28. Review status: criteria provided, single submitter. Criteria: ACMG Guidelines, 2015. Collection method: clinical testing. Allele origin: germline.

Women's Health and Genetics/Laboratory Corporation of America, LabCorp
Classification: Benign. Last evaluated: 2021-12-13. Review status: criteria provided, single submitter. Criteria: LabCorp Variant Classification Summary - May 2015. Collection method: clinical testing. Allele origin: germline.
Comment: Variant summary: PMS2 c.2007-6C>G alters a non-conserved nucleotide located close to a canonical splice site and therefore could affect mRNA splicing, leading to a significantly altered protein sequence. 3/4 computational tools predict no significant impact on normal splicing. However, these predictions have yet to be confirmed by functional studies. The variant allele was found at a frequency of 2.7e-05 in 149768 control chromosomes (gnomAD). However, the variant was reported in certain subpopulations with an even higher frequency, e.g. in Japanese control individuals (in the jMorp database) the variant occurs with a frequency of 0.0029, which is about 40-fold of the estimated MPAF (7.1e-05) suggesting that the variant could be a benign polymorphism. To our knowledge, no occurrence of c.2007-6C>G in individuals affected with Hereditary Nonpolyposis Colorectal Cancer and no experimental evidence demonstrating its impact on protein function have been reported. Co-occurrences with other pathogenic variants have been reported in several internal samples, providing supporting evidence for a benign role. Two clinical diagnostic laboratories have submitted clinical-significance assessments for this variant to ClinVar after 2014 without evidence for independent evaluation. One laboratory classified the variant as likely benign, and one laboratory classified the variant as uncertain significance. Based on the evidence outlined above, and considering the lack of the variant in affected cases after an extensive review of literature spanning 6 years (2015 - 2021), the variant was re-classified as benign.

CHEO Genetics Diagnostic Laboratory, Children's Hospital of Eastern Ontario
Classification: Uncertain significance for Breast and/or ovarian cancer. Last evaluated: 2021-06-23. Review status: criteria provided, single submitter. Criteria: ACMG Guidelines, 2015. Collection method: clinical testing. Allele origin: germline.

Counsyl
Classification: Uncertain significance for Lynch syndrome 4. Last evaluated: 2017-07-06. Review status: no assertion criteria provided. Collection method: clinical testing. Allele origin: unknown. Not counted in ClinVar's aggregate classification.

NM_000535.7(PMS2):c.2007-6C>G

Gene: PMS2 (PMS1 homolog 2, mismatch repair system component; minus strand). Cytogenetic location: 7p22.1.
Variant type: single nucleotide variant.
Coding change: c.2007-6C>G on transcript NM_000535.7 (MANE Select); 6 bases into the intron before coding-DNA position 2007, C replaced by G.
Molecular consequence: intron variant.
Genome position (GRCh38, 1-based): chr7:5,982,997, G>C on the plus strand (C>G on the coding strand, the complement: PMS2 is on the minus strand). VCF-style: chr7-5982997-G-C. GRCh37 (hg19) VCF-style: chr7-6022628-G-C.
Other names: c.1689-6C>G (NM_001322008.2, NM_001322007.2); c.1446-6C>G (NM_001322010.2); c.1602-6C>G (NM_001322004.2, NM_001322003.2, NM_001322009.2 and 1 more transcripts); c.1434-6C>G (NM_001322013.2); c.1074-6C>G (NM_001322012.2, NM_001322011.2); c.1698-6C>G (NM_001322015.2); c.1851-6C>G (NM_001322006.2); c.2007-6C>G (NM_001322014.2).
Identifiers: ClinVar variation 215754 (VCV000215754.23), dbSNP rs376018314, ClinGen allele CA338369.